The following is an entry in ClinVar:

ClinVar aggregate classification (germline): Uncertain significance (1 of 4 stars; one submission).

Conditions:
Joubert syndrome 14 (JBTS14). Identifiers: MedGen C3280766, MONDO:0013745, OMIM 614424.

Allele frequency attached by ClinVar (database versions not stated): TOPMed 0.00001; gnomAD exomes 0.00001; ExAC 0.00003; gnomAD 0.00001.
gnomAD v4.1: 8 of 1,603,396 alleles (0.0005%); highest among the groups gnomAD compares: Admixed American, 0.0017%; no homozygotes.

Submission:

Labcorp Genetics (formerly Invitae), Labcorp
Classification: Uncertain significance for Joubert syndrome 14. Last evaluated: 2024-11-05. Review status: criteria provided, single submitter. Criteria: Invitae Variant Classification Sherloc (09022015). Collection method: clinical testing. Allele origin: germline.
Comment: This sequence change falls in intron 10 of the TMEM237 gene. It does not directly change the encoded amino acid sequence of the TMEM237 protein. It affects a nucleotide within the consensus splice site. The frequency data for this variant in the population databases is considered unreliable, as metrics indicate poor data quality at this position in the gnomAD database. This variant has not been reported in the literature in individuals affected with TMEM237-related conditions. ClinVar contains an entry for this variant (Variation ID: 1423654). Variants that disrupt the consensus splice site are a relatively common cause of aberrant splicing (PMID: 17576681, 9536098). Algorithms developed to predict the effect of sequence changes on RNA splicing suggest that this variant may disrupt the consensus splice site. In summary, the available evidence is currently insufficient to determine the role of this variant in disease. Therefore, it has been classified as a Variant of Uncertain Significance.

Literature cited by the submitters: PubMed 17576681; PubMed 9536098.

NM_001044385.3(TMEM237):c.943+5G>A

Gene: TMEM237 (transmembrane protein 237; minus strand). Cytogenetic location: 2q33.1.
Variant type: single nucleotide variant.
Coding change: c.943+5G>A on transcript NM_001044385.3 (MANE Select); 5 bases into the intron after coding-DNA position 943, G replaced by A.
Molecular consequence: intron variant.
Genome position (GRCh38, 1-based): chr2:201,628,071, C>T on the plus strand (G>A on the coding strand, the complement: TMEM237 is on the minus strand). VCF-style: chr2-201628071-C-T. GRCh37 (hg19) VCF-style: chr2-202492794-C-T.
Other names: c.919+5G>A (NM_152388.4).
Identifiers: ClinVar variation 1423654 (VCV001423654.6), dbSNP rs779322966, ClinGen allele CA2056353.
Genomic context (GRCh38, chr2:201,628,071, plus strand): 5'-TCCTGGTTCAAAATTATGGTATAACTGAAGTATTACACAGTTATCATGTTAAACTGCTTA[C>T]TCACAGAAAGATGCTAAAGCTGTAGGATCCAGGGCCAAAAAATTTCGGATTGCTACTGAT-3'